The following is an entry in ClinVar:

NM_001953.5(TYMP):c.1298G>T (p.Arg433Leu)

Genes: SCO2 (synthesis of cytochrome C oxidase 2; minus strand), TYMP (thymidine phosphorylase; minus strand), LOC130067862 (ATAC-STARR-seq lymphoblastoid silent region 13986; plus strand). Cytogenetic location: 22q13.33.
Variant type: single nucleotide variant.
Coding change: c.1298G>T on transcript NM_001953.5 (MANE Select); coding-DNA position 1298, G replaced by T.
Protein change: p.Arg433Leu; replaces arginine 433 with leucine.
Molecular consequence: missense variant. On other transcripts: 5 prime UTR variant (1), intron variant (1).
Genome position (GRCh38, 1-based): chr22:50,526,003, C>A on the plus strand (G>T on the coding strand, the complement: TYMP is on the minus strand). VCF-style: chr22-50526003-C-A. GRCh37 (hg19) VCF-style: chr22-50964432-C-A.
Other names: c.1298G>T, p.Arg433Leu (NM_001113755.3, NM_001113756.3, NM_001257988.1); c.1313G>T, p.Arg438Leu (NM_001257989.1); c.-16G>T (NM_001169110.1); c.-14+243G>T (NM_001169109.2); short protein forms R433L, R438L.
Identifiers: ClinVar variation 1492094 (VCV001492094.5), dbSNP rs2148676726, ClinGen allele CA412196617.

ClinVar aggregate classification (germline): Uncertain significance (1 of 4 stars; one submission).

gnomAD v4.1: 1 of 1,436,258 alleles (0.00007%); highest among the groups gnomAD compares: Non-Finnish European, 0.000091%; no homozygotes.

Submission:

Labcorp Genetics (formerly Invitae), Labcorp
Classification: Uncertain significance. Last evaluated: 2021-12-02. Review status: criteria provided, single submitter. Criteria: Invitae Variant Classification Sherloc (09022015). Collection method: clinical testing. Allele origin: germline.
Comment: In summary, the available evidence is currently insufficient to determine the role of this variant in disease. Therefore, it has been classified as a Variant of Uncertain Significance. Algorithms developed to predict the effect of missense changes on protein structure and function are either unavailable or do not agree on the potential impact of this missense change (SIFT: "Deleterious"; PolyPhen-2: "Benign"; Align-GVGD: "Class C0"). This variant has not been reported in the literature in individuals affected with TYMP-related conditions. This variant is not present in population databases (gnomAD no frequency). This sequence change replaces arginine, which is basic and polar, with leucine, which is neutral and non-polar, at codon 433 of the TYMP protein (p.Arg433Leu).